The following is an entry in ClinVar:

NM_001611.5(ACP5):c.262-14T>C

Gene: ACP5 (acid phosphatase 5, tartrate resistant; minus strand). Cytogenetic location: 19p13.2.
Variant type: single nucleotide variant.
Coding change: c.262-14T>C on transcript NM_001611.5 (MANE Select); 14 bases into the intron before coding-DNA position 262, T replaced by C.
Molecular consequence: intron variant.
Genome position (GRCh38, 1-based): chr19:11,576,857, A>G on the plus strand (T>C on the coding strand, the complement: ACP5 is on the minus strand). VCF-style: chr19-11576857-A-G. GRCh37 (hg19) VCF-style: chr19-11687672-A-G.
Other names: c.262-14T>C (NM_001111036.3, NM_001111035.3, NM_001111034.3 and 1 more transcripts).
Identifiers: ClinVar variation 1032630 (VCV001032630.1), dbSNP rs1973181435, ClinGen allele CA2323005769.

ClinVar aggregate classification (germline): Uncertain significance (1 of 4 stars; one submission).

Conditions:
Spondyloenchondrodysplasia with immune dysregulation (SPENCDI). Also called: SPONDYLOENCHONDRODYSPLASIA WITH OR WITHOUT IMMUNE DYSREGULATION; ROIFMAN IMMUNOSKELETAL SYNDROME; COMBINED IMMUNODEFICIENCY WITH AUTOIMMUNITY AND SPONDYLOMETAPHYSEAL DYSPLASIA. Identifiers: Orphanet 1855, MedGen C1842763, MONDO:0011939, OMIM 607944.

Submission:

Baylor Genetics
Classification: Uncertain significance for Spondyloenchondrodysplasia with immune dysregulation. Last evaluated: 2018-05-25. Review status: criteria provided, single submitter. Criteria: ACMG Guidelines, 2015. Collection method: clinical testing. Allele origin: paternal. Affected: yes.
Comment: This variant was determined to be of uncertain significance according to ACMG Guidelines, 2015 [PMID:25741868].